The following is an entry in ClinVar:

ClinVar aggregate classification (germline): Benign. Review status: criteria provided, multiple submitters, no conflicts (2 of 4 stars). 5 submissions from 5 submitters: Benign (3). 2 of the submissions do not count toward it. Last evaluated 2018-01-13.

Conditions:
Autosomal recessive congenital ichthyosis 6 (ARCI6). Identifiers: Orphanet 313, Orphanet 79394, MedGen C2677065, MONDO:0012847, OMIM 612281.

Allele frequency attached by ClinVar (database versions not stated): ESP Exome Variant Server 0.31729; gnomAD 0.37314 and 0.37593; 1000 Genomes Project 0.44249; TOPMed 0.37321; 1000 Genomes Project 30x 0.43879; gnomAD exomes 0.34786 and 0.36833; ExAC 0.50000.

Submissions (5):

Illumina Laboratory Services, Illumina
Classification: Benign for Autosomal recessive congenital ichthyosis 6. Last evaluated: 2018-01-13. Review status: criteria provided, single submitter. Criteria: ICSL Variant Classification Criteria 13 December 2019. Collection method: clinical testing. Allele origin: germline.
Comment: This variant was observed in the ICSL laboratory as part of a predisposition screen in an ostensibly healthy population. It had not been previously curated by ICSL or reported in the Human Gene Mutation Database (HGMD: prior to June 1st, 2018), and was therefore a candidate for classification through an automated scoring system. Utilizing variant allele frequency, disease prevalence and penetrance estimates, and inheritance mode, an automated score was calculated to assess if this variant is too frequent to cause the disease. Based on the score and internal cut-off values, a variant classified as benign is not then subjected to further curation. The score for this variant resulted in a classification of benign for this disease.

GeneDx
Classification: Benign. Last evaluated: 2015-03-03. Review status: criteria provided, single submitter. Criteria: GeneDx Variant Classification Process June 2021. Collection method: clinical testing. Allele origin: germline. Affected: yes.

PreventionGenetics, part of Exact Sciences
Classification: Benign. Review status: criteria provided, single submitter. Criteria: ACMG Guidelines, 2015. Collection method: clinical testing. Allele origin: germline.

Diagnostic Laboratory, Department of Genetics, University Medical Center Groningen
Classification: Benign. Review status: no assertion criteria provided. Collection method: clinical testing. Allele origin: germline. Affected: yes. Study: VKGL Data-share Consensus. Not counted in ClinVar's aggregate classification.

Joint Genome Diagnostic Labs from Nijmegen and Maastricht, Radboudumc and MUMC+
Classification: Benign. Review status: no assertion criteria provided. Collection method: clinical testing. Allele origin: germline. Affected: yes. Study: VKGL Data-share Consensus. Not counted in ClinVar's aggregate classification.

NM_001099287.1(NIPAL4):c.-10A>G

Genes: NIPAL4 (NIPA like domain containing 4; plus strand), LOC129995124 (ATAC-STARR-seq lymphoblastoid silent region 16559; plus strand). Cytogenetic location: 5q33.3.
Variant type: single nucleotide variant.
Coding change: c.-10A>G on transcript NM_001099287.1; 10 bases upstream of the start codon, A replaced by G.
Genome position (GRCh38, 1-based): chr5:157,460,125, A>G. VCF-style: chr5-157460125-A-G. GRCh37 (hg19) VCF-style: chr5-156887133-A-G.
Identifiers: ClinVar variation 257433 (VCV000257433.15), dbSNP rs1105282, ClinGen allele CA3534469.